The following is an entry in ClinVar:

NM_000136.3(FANCC):c.1146G>C (p.Gln382His)

Genes: FANCC (FA complementation group C; minus strand), AOPEP (aminopeptidase O (putative); plus strand). Cytogenetic location: 9q22.32.
Variant type: single nucleotide variant.
Coding change: c.1146G>C on transcript NM_000136.3 (MANE Select); coding-DNA position 1146, G replaced by C.
Protein change: p.Gln382His; replaces glutamine 382 with histidine.
Molecular consequence: missense variant.
Genome position (GRCh38, 1-based): chr9:95,114,637, C>G on the plus strand (G>C on the coding strand, the complement: FANCC is on the minus strand). VCF-style: chr9-95114637-C-G. GRCh37 (hg19) VCF-style: chr9-97876919-C-G.
Other names: c.1146G>C, p.Gln382His (NM_001243743.2, NM_001243744.2); short protein forms Q382H.
Identifiers: ClinVar variation 456151 (VCV000456151.12), dbSNP rs770809637, ClinGen allele CA5137452.
Genomic context (GRCh38, chr9:95,114,637, plus strand): 5'-TCTAGGGAAACCATGTGTGAAGTAGATTTGGGAGTGGTCAGTGTTTGCTCACCCATGAGT[C>G]TGGTCTTCAACTGCTTCTCTGAGCAGTTCAGAAATATGCTTCAGTGTCTGGAGCCAGTGT-3'
Protein context (NP_000127.2, residues 372-392): SELLREAVED[Gln382His]THGSCGGPFE

ClinVar aggregate classification (germline): Uncertain significance. Review status: criteria provided, multiple submitters, no conflicts (2 of 4 stars). 3 submissions from 3 submitters: Uncertain significance (2). 1 of the submissions does not count toward it. Last evaluated 2022-05-23.

Conditions:
Hereditary cancer-predisposing syndrome. Also called: Neoplastic Syndromes, Hereditary; Tumor predisposition; Hereditary Cancer Syndrome; Hereditary neoplastic syndrome. Identifiers: Orphanet 140162, MedGen C0027672, MeSH D009386, MONDO:0015356.
Fanconi anemia (FA). Also called: Fanconi's anemia. Identifiers: Orphanet 84, MedGen C0015625, MeSH D005199, MONDO:0019391.
Fanconi anemia complementation group C (FANCC). Also called: Fanconi anemia, group C; FANCC-Related Fanconi Anemia; FANCONI PANCYTOPENIA, TYPE 3; FACC. Identifiers: Orphanet 84, MedGen C3468041, MONDO:0009213, OMIM 227645.

Allele frequency attached by ClinVar (database versions not stated): TOPMed below 0.00001; ExAC 0.00001; gnomAD exomes 0.00001.
gnomAD v4.1: 7 of 1,613,994 alleles (0.00043%); highest among the groups gnomAD compares: Non-Finnish European, 0.00051%; no homozygotes.

Submissions (3):

Ambry Genetics
Classification: Uncertain significance for Hereditary cancer-predisposing syndrome. Last evaluated: 2022-05-23. Review status: criteria provided, single submitter. Criteria: Ambry Variant Classification Scheme 2023. Collection method: clinical testing. Allele origin: germline.
Comment: The p.Q382H variant (also known as c.1146G>C), located in coding exon 11 of the FANCC gene, results from a G to C substitution at nucleotide position 1146. The glutamine at codon 382 is replaced by histidine, an amino acid with highly similar properties. This amino acid position is conserved. In addition, this alteration is predicted to be tolerated by in silico analysis. Since supporting evidence is limited at this time, the clinical significance of this alteration remains unclear.

Labcorp Genetics (formerly Invitae), Labcorp
Classification: Uncertain significance for Fanconi anemia. Last evaluated: 2022-03-28. Review status: criteria provided, single submitter. Criteria: Invitae Variant Classification Sherloc (09022015). Collection method: clinical testing. Allele origin: germline.
Comment: In summary, the available evidence is currently insufficient to determine the role of this variant in disease. Therefore, it has been classified as a Variant of Uncertain Significance. Algorithms developed to predict the effect of missense changes on protein structure and function output the following: SIFT: "Tolerated"; PolyPhen-2: "Benign"; Align-GVGD: "Class C0". The histidine amino acid residue is found in multiple mammalian species, which suggests that this missense change does not adversely affect protein function. ClinVar contains an entry for this variant (Variation ID: 456151). This variant has not been reported in the literature in individuals affected with FANCC-related conditions. This variant is present in population databases (rs770809637, gnomAD 0.003%). This sequence change replaces glutamine, which is neutral and polar, with histidine, which is basic and polar, at codon 382 of the FANCC protein (p.Gln382His).

Natera, Inc.
Classification: Uncertain significance for Fanconi anemia, group C. Last evaluated: 2020-03-10. Review status: no assertion criteria provided. Collection method: clinical testing. Allele origin: germline. Not counted in ClinVar's aggregate classification.